The following is an entry in ClinVar:

NM_000051.4(ATM):c.44T>G (p.Leu15Arg)

Gene: ATM (ATM serine/threonine kinase; plus strand). Cytogenetic location: 11q22.3.
Variant type: single nucleotide variant.
Coding change: c.44T>G on transcript NM_000051.4 (MANE Select); coding-DNA position 44, T replaced by G.
Protein change: p.Leu15Arg; replaces leucine 15 with arginine.
Molecular consequence: missense variant.
Genome position (GRCh38, 1-based): chr11:108,227,668, T>G. VCF-style: chr11-108227668-T-G. GRCh37 (hg19) VCF-style: chr11-108098395-T-G.
Other names: c.44T>G, p.Leu15Arg (NM_001351834.2, NM_001351835.2, NM_001351836.2); short protein forms L15R.
Identifiers: ClinVar variation 453524 (VCV000453524.11), dbSNP rs1555053927, ClinGen allele CA382519159.

ClinVar aggregate classification (germline): Uncertain significance. Review status: criteria provided, single submitter (1 of 4 stars). 2 submissions from 2 submitters: Uncertain significance (1). 1 of the submissions does not count toward it. Last evaluated 2024-08-28.

Conditions:
Ataxia-telangiectasia syndrome (AT). Also called: Cerebello-oculocutaneous telangiectasia; Immunodeficiency with ataxia telangiectasia; Ataxia-telangiectasia, complementation group D; AT, COMPLEMENTATION GROUP C; Ataxia-telangiectasia, complementation group E; LOUIS-BAR SYNDROME. Identifiers: Orphanet 100, MedGen C0004135, MONDO:0008840, OMIM 208900.

Submissions (2):

Labcorp Genetics (formerly Invitae), Labcorp
Classification: Uncertain significance for Ataxia-telangiectasia syndrome. Last evaluated: 2024-08-28. Review status: criteria provided, single submitter. Criteria: Invitae Variant Classification Sherloc (09022015). Collection method: clinical testing. Allele origin: germline.
Comment: This sequence change replaces leucine, which is neutral and non-polar, with arginine, which is basic and polar, at codon 15 of the ATM protein (p.Leu15Arg). This variant is not present in population databases (gnomAD no frequency). This variant has not been reported in the literature in individuals affected with ATM-related conditions. ClinVar contains an entry for this variant (Variation ID: 453524). Invitae Evidence Modeling of protein sequence and biophysical properties (such as structural, functional, and spatial information, amino acid conservation, physicochemical variation, residue mobility, and thermodynamic stability) indicates that this missense variant is not expected to disrupt ATM protein function with a negative predictive value of 95%. In summary, the available evidence is currently insufficient to determine the role of this variant in disease. Therefore, it has been classified as a Variant of Uncertain Significance.

Natera, Inc.
Classification: Uncertain significance for Ataxia-telangiectasia. Last evaluated: 2020-12-03. Review status: no assertion criteria provided. Collection method: clinical testing. Allele origin: germline. Not counted in ClinVar's aggregate classification.